The following is an entry in ClinVar:

NM_001040023.2(SIRPA):c.353C>T (p.Thr118Ile)

Gene: SIRPA (signal regulatory protein alpha; plus strand). Cytogenetic location: 20p13.
Variant type: single nucleotide variant.
Coding change: c.353C>T on transcript NM_001040023.2 (MANE Select); coding-DNA position 353, C replaced by T.
Protein change: p.Thr118Ile; replaces threonine 118 with isoleucine.
Molecular consequence: missense variant.
Genome position (GRCh38, 1-based): chr20:1,915,372, C>T. VCF-style: chr20-1915372-C-T. GRCh37 (hg19) VCF-style: chr20-1896018-C-T.
Other names: c.353C>T, p.Thr118Ile (NM_001040022.1, NM_001330728.1, NM_080792.3); short protein forms T118I.
Identifiers: ClinVar variation 3025288 (VCV003025288.22), dbSNP rs138711836, ClinGen allele CA9729793.

ClinVar aggregate classification (germline): Likely benign (1 of 4 stars; one submission).

Allele frequency attached by ClinVar (database versions not stated): 1000 Genomes Project 30x 0.00016; 1000 Genomes Project 0.00020; gnomAD 0.00045; gnomAD exomes 0.00046; ExAC 0.00049; ESP Exome Variant Server 0.00054.
gnomAD v4.1: 737 of 1,609,758 alleles (0.046%); highest among the groups gnomAD compares: Non-Finnish European, 0.056%; 1 homozygote.

Submission:

CeGaT Center for Human Genetics Tuebingen
Classification: Likely benign. Last evaluated: 2022-11-01. Review status: criteria provided, single submitter. Criteria: CeGaT Center For Human Genetics Tuebingen Variant Classification Criteria Version 2. Collection method: clinical testing. Allele origin: germline. Affected: yes. Observed: 1 variant allele.
Comment: SIRPA: BP4